The following is an entry in ClinVar:

ClinVar aggregate classification (germline): Uncertain significance (1 of 4 stars; one submission).

Conditions:
Hereditary spastic paraplegia 39 (SPG39). Also called: SPASTIC PARAPLEGIA 39, AUTOSOMAL RECESSIVE; Spastic Paraplegia Type 39 (SPG39). Identifiers: Orphanet 139480, MedGen C2677586, MONDO:0012787, OMIM 612020.

Allele frequency attached by ClinVar (database versions not stated): gnomAD exomes 0.00001 and 0.00002; ExAC 0.00004; TOPMed 0.00004; gnomAD 0.00005; ESP Exome Variant Server 0.00015; 1000 Genomes Project 30x 0.00016; 1000 Genomes Project 0.00020.

Submission:

Labcorp Genetics (formerly Invitae), Labcorp
Classification: Uncertain significance for Hereditary spastic paraplegia 39. Last evaluated: 2022-08-19. Review status: criteria provided, single submitter. Criteria: Invitae Variant Classification Sherloc (09022015). Collection method: clinical testing. Allele origin: germline.
Comment: This sequence change replaces arginine, which is basic and polar, with histidine, which is basic and polar, at codon 385 of the PNPLA6 protein (p.Arg385His). This variant is present in population databases (rs369286019, gnomAD 0.01%). This variant has not been reported in the literature in individuals affected with PNPLA6-related conditions. ClinVar contains an entry for this variant (Variation ID: 999133). Algorithms developed to predict the effect of missense changes on protein structure and function are either unavailable or do not agree on the potential impact of this missense change (SIFT: "Tolerated"; PolyPhen-2: "Probably Damaging"; Align-GVGD: "Class C0"). In summary, the available evidence is currently insufficient to determine the role of this variant in disease. Therefore, it has been classified as a Variant of Uncertain Significance.

NM_001166114.2(PNPLA6):c.1271G>A (p.Arg424His)

Gene: PNPLA6 (patatin like domain 6, lysophospholipase; plus strand). Cytogenetic location: 19p13.2.
Variant type: single nucleotide variant.
Coding change: c.1271G>A on transcript NM_001166114.2 (MANE Select); coding-DNA position 1271, G replaced by A.
Protein change: p.Arg424His; replaces arginine 424 with histidine.
Molecular consequence: missense variant.
Genome position (GRCh38, 1-based): chr19:7,542,579, G>A. VCF-style: chr19-7542579-G-A. GRCh37 (hg19) VCF-style: chr19-7607465-G-A.
Other names: c.1298G>A, p.Arg433His (NM_001166111.2); c.1154G>A, p.Arg385His (NM_001166112.2, NM_001166113.1, NM_006702.5); short protein forms R385H, R424H, R433H.
Identifiers: ClinVar variation 999133 (VCV000999133.6), dbSNP rs369286019, ClinGen allele CA9139751.